The following is an entry in ClinVar:

ClinVar aggregate classification (germline): Pathogenic (1 of 4 stars; one submission).

Conditions:
Baller-Gerold syndrome (BGS). Also called: CRANIOSYNOSTOSIS WITH RADIAL DEFECTS. Identifiers: Orphanet 1225, MedGen C0265308, MONDO:0009039, OMIM 218600.

Submission:

Labcorp Genetics (formerly Invitae), Labcorp
Classification: Pathogenic for Baller-Gerold syndrome. Last evaluated: 2022-03-05. Review status: criteria provided, single submitter. Criteria: Invitae Variant Classification Sherloc (09022015). Collection method: clinical testing. Allele origin: germline.
Comment: For these reasons, this variant has been classified as Pathogenic. This variant has not been reported in the literature in individuals affected with RECQL4-related conditions. This variant is a gross deletion of the genomic region encompassing exon(s) 1-9 of the RECQL4 gene, which includes the initiator codon. This deletion extends beyond the assayed region for this gene and therefore may encompass additional genes. It is expected to result in an absent or disrupted protein product. Loss-of-function variants in RECQL4 are known to be pathogenic (PMID: 12734318, 12952869).

Literature cited by the submitters: PubMed 12734318; PubMed 12952869.

NC_000008.11:g.(?_144514926)_(144517794_?)del

Gene: RECQL4 (RecQ like helicase 4; minus strand). Cytogenetic location: 8q24.3.
Variant type: Deletion.
Identifiers: ClinVar variation 831322 (VCV000831322.6).